The following is an entry in ClinVar:

ClinVar aggregate classification (germline): Uncertain significance (1 of 4 stars; one submission).

Conditions:
Autosomal dominant limb-girdle muscular dystrophy type 1G (LGMDD3). Also called: Limb-girdle muscular dystrophy, type 1G; MUSCULAR DYSTROPHY, LIMB-GIRDLE, AUTOSOMAL DOMINANT 3. Identifiers: Orphanet 55596, MedGen C1836765, MONDO:0012193, OMIM 609115.

gnomAD v4.1: 26 of 1,613,392 alleles (0.0016%); highest among the groups gnomAD compares: Non-Finnish European, 0.0022%; no homozygotes.

Submission:

Labcorp Genetics (formerly Invitae), Labcorp
Classification: Uncertain significance for Autosomal dominant limb-girdle muscular dystrophy type 1G. Last evaluated: 2025-07-29. Review status: criteria provided, single submitter. Criteria: Invitae Variant Classification Sherloc (09022015). Collection method: clinical testing. Allele origin: germline.
Comment: This sequence change replaces arginine, which is basic and polar, with histidine, which is basic and polar, at codon 109 of the HNRNPDL protein (p.Arg109His). This variant is present in population databases (rs780878669, gnomAD 0.004%). This variant has not been reported in the literature in individuals affected with HNRNPDL-related conditions. An algorithm developed to predict the effect of missense changes on protein structure and function (PolyPhen-2) suggests that this variant is likely to be tolerated. In summary, the available evidence is currently insufficient to determine the role of this variant in disease. Therefore, it has been classified as a Variant of Uncertain Significance.

NM_031372.4(HNRNPDL):c.326G>A (p.Arg109His)

Gene: HNRNPDL (heterogeneous nuclear ribonucleoprotein D like; minus strand). Cytogenetic location: 4q21.22.
Variant type: single nucleotide variant.
Coding change: c.326G>A on transcript NM_031372.4 (MANE Select); coding-DNA position 326, G replaced by A.
Protein change: p.Arg109His; replaces arginine 109 with histidine.
Molecular consequence: missense variant. On other transcripts: non-coding transcript variant (1).
Genome position (GRCh38, 1-based): chr4:82,429,365, C>T on the plus strand (G>A on the coding strand, the complement: HNRNPDL is on the minus strand). VCF-style: chr4-82429365-C-T. GRCh37 (hg19) VCF-style: chr4-83350518-C-T.
Other names: c.326G>A, p.Arg109His (NM_001207000.1); short protein forms R109H.
Identifiers: ClinVar variation 4705543 (VCV004705543.1).